The following is an entry in ClinVar:

ClinVar aggregate classification (germline): Uncertain significance (1 of 4 stars; one submission).

Submission:

Labcorp Genetics (formerly Invitae), Labcorp
Classification: Uncertain significance. Last evaluated: 2023-01-22. Review status: criteria provided, single submitter. Criteria: Invitae Variant Classification Sherloc (09022015). Collection method: clinical testing. Allele origin: germline.
Comment: This sequence change replaces tryptophan, which is neutral and slightly polar, with cysteine, which is neutral and slightly polar, at codon 659 of the INTU protein (p.Trp659Cys). In summary, the available evidence is currently insufficient to determine the role of this variant in disease. Therefore, it has been classified as a Variant of Uncertain Significance. Advanced modeling of protein sequence and biophysical properties (such as structural, functional, and spatial information, amino acid conservation, physicochemical variation, residue mobility, and thermodynamic stability) performed at Invitae indicates that this missense variant is not expected to disrupt INTU protein function. This variant has not been reported in the literature in individuals affected with INTU-related conditions. This variant is present in population databases (no rsID available, gnomAD 0.0009%).

NM_015693.4(INTU):c.1977G>C (p.Trp659Cys)

Gene: INTU (inturned planar cell polarity protein; plus strand). Cytogenetic location: 4q28.1.
Variant type: single nucleotide variant.
Coding change: c.1977G>C on transcript NM_015693.4 (MANE Select); coding-DNA position 1977, G replaced by C.
Protein change: p.Trp659Cys; replaces tryptophan 659 with cysteine.
Molecular consequence: missense variant.
Genome position (GRCh38, 1-based): chr4:127,706,675, G>C. VCF-style: chr4-127706675-G-C. GRCh37 (hg19) VCF-style: chr4-128627830-G-C.
Other names: short protein forms W659C.
Identifiers: ClinVar variation 2809452 (VCV002809452.3), dbSNP rs1288687400, ClinGen allele CA358137774.